The following is an entry in ClinVar:

NM_032043.3(BRIP1):c.2882G>A (p.Ser961Asn)

Gene: BRIP1 (BRCA1 interacting DNA helicase 1; minus strand). Cytogenetic location: 17q23.2.
Variant type: single nucleotide variant.
Coding change: c.2882G>A on transcript NM_032043.3 (MANE Select); coding-DNA position 2882, G replaced by A.
Protein change: p.Ser961Asn; replaces serine 961 with asparagine.
Molecular consequence: missense variant.
Genome position (GRCh38, 1-based): chr17:61,685,859, C>T on the plus strand (G>A on the coding strand, the complement: BRIP1 is on the minus strand). VCF-style: chr17-61685859-C-T. GRCh37 (hg19) VCF-style: chr17-59763220-C-T.
Other names: short protein forms S961N.
Identifiers: ClinVar variation 407797 (VCV000407797.11), dbSNP rs1060501732, ClinGen allele CA16615773.

ClinVar aggregate classification (germline): Conflicting classifications of pathogenicity. Review status: criteria provided, conflicting classifications (1 of 4 stars). 2 submissions from 2 submitters: Uncertain significance (1); Likely benign (1). Last evaluated 2026-04-29.

Conditions:
Hereditary cancer-predisposing syndrome. Also called: Hereditary Cancer Syndrome; Tumor predisposition; Hereditary neoplastic syndrome; Neoplastic Syndromes, Hereditary. Identifiers: Orphanet 140162, MedGen C0027672, MeSH D009386, MONDO:0015356.
Familial cancer of breast. Also called: Hereditary breast cancer; BREAST CANCER, FAMILIAL; hereditary breast carcinoma. Identifiers: Orphanet 227535, MedGen C0346153, MONDO:0016419, OMIM 114480. Disease mechanism: loss of function.
Fanconi anemia complementation group J. Also called: BRIP1-Related Fanconi Anemia. Identifiers: Orphanet 84, MedGen C1836860, MONDO:0012187, OMIM 609054.

Allele frequency attached by ClinVar (database versions not stated): gnomAD exomes below 0.00001.
gnomAD v4.1: 1 of 1,612,694 alleles (0.000062%); highest among the groups gnomAD compares: South Asian, 0.0011%; no homozygotes.

Submissions (2):

Ambry Genetics
Classification: Likely benign for Hereditary cancer-predisposing syndrome. Last evaluated: 2026-04-29. Review status: criteria provided, single submitter. Criteria: Ambry Variant Classification Scheme 2023. Collection method: clinical testing. Allele origin: germline.

Labcorp Genetics (formerly Invitae), Labcorp
Classification: Uncertain significance for Familial cancer of breast; Fanconi anemia complementation group J. Last evaluated: 2023-10-13. Review status: criteria provided, single submitter. Criteria: Invitae Variant Classification Sherloc (09022015). Collection method: clinical testing. Allele origin: germline.
Comment: This sequence change replaces serine, which is neutral and polar, with asparagine, which is neutral and polar, at codon 961 of the BRIP1 protein (p.Ser961Asn). This variant is not present in population databases (gnomAD no frequency). This variant has not been reported in the literature in individuals affected with BRIP1-related conditions. ClinVar contains an entry for this variant (Variation ID: 407797). An algorithm developed to predict the effect of missense changes on protein structure and function (PolyPhen-2) suggests that this variant is likely to be tolerated. In summary, the available evidence is currently insufficient to determine the role of this variant in disease. Therefore, it has been classified as a Variant of Uncertain Significance.